The following is an entry in ClinVar:

ClinVar aggregate classification (germline): Pathogenic (1 of 4 stars; one submission).

Conditions:
Congenital hyperammonemia, type I. Also called: CPS I DEFICIENCY; Carbamoyl phosphate synthetase 1 deficiency; Hyperammonemia due to carbamoyl phosphate synthetase 1 deficiency; CPS 1 deficiency; Carbamyl phosphate synthetase (CPS) deficiency; Carbamoyl phosphate synthetase I deficiency disease. Identifiers: Orphanet 147, MedGen C4082171, MONDO:0009376, OMIM 237300.

Submission:

Myriad Genetics, Inc.
Classification: Pathogenic for Congenital hyperammonemia, type I. Last evaluated: 2025-01-20. Review status: criteria provided, single submitter. Criteria: Myriad Autosomal Dominant, Autosomal Recessive and X-Linked Classification Criteria (2023). Collection method: clinical testing. Allele origin: unknown.
Comment: NM_001875.4(CPS1):c.3727C>T(Q1243*) is expected to be pathogenic in the context of carbamoylphosphate synthetase I deficiency. This variant is predicted to lead to an abnormal or absent protein product due to the creation of a premature termination codon in CPS1, a gene where loss-of-function variants are known to be pathogenic. Please note: this variant was assessed in the context of healthy population screening.

NM_001875.5(CPS1):c.3727C>T (p.Gln1243Ter)

Gene: CPS1 (carbamoyl-phosphate synthase 1; plus strand). Cytogenetic location: 2q34.
Variant type: single nucleotide variant.
Coding change: c.3727C>T on transcript NM_001875.5 (MANE Select); coding-DNA position 3727, C replaced by T.
Protein change: p.Gln1243Ter; replaces glutamine 1243 with a stop codon.
Molecular consequence: nonsense. On other transcripts: non-coding transcript variant (2).
Genome position (GRCh38, 1-based): chr2:210,658,659, C>T. VCF-style: chr2-210658659-C-T. GRCh37 (hg19) VCF-style: chr2-211523383-C-T.
Other names: c.3727C>T, p.Gln1243Ter (NM_001122633.3, NM_001369257.1); c.3760C>T, p.Gln1254Ter (NM_001369256.1); short protein forms Q1243*, Q1254*.
Identifiers: ClinVar variation 5013987 (VCV005013987.1).